The following is an entry in ClinVar:

ClinVar aggregate classification (germline): Pathogenic (1 of 4 stars; one submission).

Conditions:
Distal myopathy with posterior leg and anterior hand involvement. Also called: WILLIAMS DISTAL MYOPATHY. Identifiers: Orphanet 63273, MedGen C3279722, MONDO:0013550, OMIM 614065.
Myofibrillar myopathy 5. Also called: Filaminopathy (type); FILAMINOPATHY, AUTOSOMAL DOMINANT. Identifiers: Orphanet 171445, MedGen C1836050, MONDO:0012289, OMIM 609524.
Hypertrophic cardiomyopathy 26. Also called: Cardiomyopathy, familial hypertrophic, 26. Identifiers: Orphanet 75249, MedGen C4310749, MONDO:0014883, OMIM 617047.

Submission:

Labcorp Genetics (formerly Invitae), Labcorp
Classification: Pathogenic for Distal myopathy with posterior leg and anterior hand involvement; Myofibrillar myopathy 5; Hypertrophic cardiomyopathy 26. Last evaluated: 2017-09-27. Review status: criteria provided, single submitter. Criteria: Invitae Variant Classification Sherloc (09022015). Collection method: clinical testing. Allele origin: germline.
Comment: This sequence change creates a premature translational stop signal (p.Glu689*) in the FLNC gene. It is expected to result in an absent or disrupted protein product. This variant is not present in population databases (ExAC no frequency). This variant has not been reported in the literature in individuals with FLNC-related disease. Loss-of-function variants in FLNC are known to be pathogenic and are associated with arrhythmogenic dilated cardiomyopathy (PMID: 27908349). For these reasons, this variant has been classified as Pathogenic.

Literature cited by the submitters: PubMed 27908349.

NM_001458.5(FLNC):c.2065G>T (p.Glu689Ter)

Gene: FLNC (filamin C; plus strand). Cytogenetic location: 7q32.1.
Variant type: single nucleotide variant.
Coding change: c.2065G>T on transcript NM_001458.5 (MANE Select); coding-DNA position 2065, G replaced by T.
Protein change: p.Glu689Ter; replaces glutamic acid 689 with a stop codon.
Molecular consequence: nonsense.
Genome position (GRCh38, 1-based): chr7:128,841,511, G>T. VCF-style: chr7-128841511-G-T. GRCh37 (hg19) VCF-style: chr7-128481565-G-T.
Other names: c.2065G>T, p.Glu689Ter (NM_001127487.2); short protein forms E689*.
Identifiers: ClinVar variation 539448 (VCV000539448.7), dbSNP rs1446694237, ClinGen allele CA369227917.